The following is an entry in ClinVar:

ClinVar aggregate classification (germline): Uncertain significance (1 of 4 stars; one submission).

Submission:

GeneDx
Classification: Uncertain significance. Last evaluated: 2025-12-03. Review status: criteria provided, single submitter. Criteria: GeneDx Variant Classification Process June 2021. Collection method: clinical testing. Allele origin: germline.
Comment: Not observed at significant frequency in large population cohorts (gnomAD); In silico analysis suggests that this missense variant does not alter protein structure/function; Has not been previously published as pathogenic or benign to our knowledge

NM_006180.6(NTRK2):c.1636G>A (p.Val546Ile)

Gene: NTRK2 (neurotrophic receptor tyrosine kinase 2; plus strand). Cytogenetic location: 9q21.33.
Variant type: single nucleotide variant.
Coding change: c.1636G>A on transcript NM_006180.6 (MANE Select); coding-DNA position 1636, G replaced by A.
Protein change: p.Val546Ile; replaces valine 546 with isoleucine.
Molecular consequence: missense variant.
Genome position (GRCh38, 1-based): chr9:84,934,164, G>A. VCF-style: chr9-84934164-G-A. GRCh37 (hg19) VCF-style: chr9-87549079-G-A.
Other names: c.1588G>A, p.Val530Ile (NM_001018064.3, NM_001369532.1, NM_001369533.1); c.1552G>A, p.Val518Ile (NM_001369534.1); c.1120G>A, p.Val374Ile (NM_001369535.1); c.1168G>A, p.Val390Ile (NM_001369536.1); short protein forms V374I, V390I, V518I, V530I, V546I.
Identifiers: ClinVar variation 4086700 (VCV004086700.2).
Genomic context (GRCh38, chr9:84,934,164, plus strand): 5'-CGCTGCCTTCACCTCCACATGCTTCAATTCCAATTTCCATTCTGTCTTTGTTTTGCAGTT[G>A]TTCAGCACATCAAGCGACATAACATTGTTCTGAAAAGGGAGCTAGGCGAAGGAGCCTTTG-3'
Protein context (NP_006171.2, residues 536-556): TNSQLKPDTF[Val546Ile]QHIKRHNIVL